The following is an entry in ClinVar:

ClinVar aggregate classification (germline): Uncertain significance (1 of 4 stars; one submission).

Conditions:
Hereditary cancer-predisposing syndrome. Also called: Neoplastic Syndromes, Hereditary; Tumor predisposition; Hereditary Cancer Syndrome; Hereditary neoplastic syndrome. Identifiers: Orphanet 140162, MedGen C0027672, MeSH D009386, MONDO:0015356.

Submission:

Ambry Genetics
Classification: Uncertain significance for Hereditary cancer-predisposing syndrome. Last evaluated: 2017-08-23. Review status: criteria provided, single submitter. Criteria: Ambry Variant Classification Scheme 2023. Collection method: clinical testing. Allele origin: germline.
Comment: The p.T72I variant (also known as c.215C>T), located in coding exon 3 of the ATM gene, results from a C to T substitution at nucleotide position 215. The threonine at codon 72 is replaced by isoleucine, an amino acid with similar properties. This amino acid position is not well conserved in available vertebrate species. In addition, this alteration is predicted to be tolerated by in silico analysis. Since supporting evidence is limited at this time, the clinical significance of this alteration remains unclear.

NM_000051.4(ATM):c.215C>T (p.Thr72Ile)

Gene: ATM (ATM serine/threonine kinase; plus strand). Cytogenetic location: 11q22.3.
Variant type: single nucleotide variant.
Coding change: c.215C>T on transcript NM_000051.4 (MANE Select); coding-DNA position 215, C replaced by T.
Protein change: p.Thr72Ile; replaces threonine 72 with isoleucine.
Molecular consequence: missense variant.
Genome position (GRCh38, 1-based): chr11:108,229,207, C>T. VCF-style: chr11-108229207-C-T. GRCh37 (hg19) VCF-style: chr11-108099934-C-T.
Other names: c.215C>T, p.Thr72Ile (NM_001351834.2, NM_001351835.2, NM_001351836.2); short protein forms T72I.
Identifiers: ClinVar variation 231002 (VCV000231002.5), dbSNP rs876658893, ClinGen allele CA10578951.